The following is an entry in ClinVar:

NM_001164508.2(NEB):c.20467-5T>A

Gene: NEB (nebulin; minus strand). Cytogenetic location: 2q23.3.
Variant type: single nucleotide variant.
Coding change: c.20467-5T>A on transcript NM_001164508.2 (MANE Select); 5 bases into the intron before coding-DNA position 20467, T replaced by A.
Molecular consequence: intron variant.
Genome position (GRCh38, 1-based): chr2:151,546,003, A>T on the plus strand (T>A on the coding strand, the complement: NEB is on the minus strand). VCF-style: chr2-151546003-A-T. GRCh37 (hg19) VCF-style: chr2-152402517-A-T.
Other names: c.15364-5T>A (NM_004543.5); c.20467-5T>A (NM_001164507.2, NM_001271208.2).
Identifiers: ClinVar variation 465540 (VCV000465540.15), dbSNP rs762368980, ClinGen allele CA1907258.

ClinVar aggregate classification (germline): Likely benign. Review status: criteria provided, single submitter (1 of 4 stars). 2 submissions from 2 submitters: Likely benign (1). 1 of the submissions does not count toward it. Last evaluated 2025-11-15.

Conditions:
Nemaline myopathy 2 (NEM2). Also called: Nemaline myopathy 2, autosomal recessive. Identifiers: MedGen C1850569, MONDO:0009725, OMIM 256030.
NEB-related disorder. Also called: NEB-related condition; NEB-Related Disorders.

Allele frequency attached by ClinVar (database versions not stated): gnomAD 0.00001 and 0.00002; TOPMed 0.00001; gnomAD exomes 0.00050 and 0.00368; ExAC 0.00077.
gnomAD v4.1: 550 of 1,243,134 alleles (0.044%); highest among the groups gnomAD compares: Non-Finnish European, 0.053%; no homozygotes.

Submissions (2):

Labcorp Genetics (formerly Invitae), Labcorp
Classification: Likely benign for Nemaline myopathy 2. Last evaluated: 2025-11-15. Review status: criteria provided, single submitter. Criteria: Invitae Variant Classification Sherloc (09022015). Collection method: clinical testing. Allele origin: germline.

PreventionGenetics, part of Exact Sciences
Classification: Likely benign for NEB-related condition. Last evaluated: 2022-04-03. Review status: no assertion criteria provided. Collection method: clinical testing. Allele origin: germline. Not counted in ClinVar's aggregate classification.
Comment: This variant is classified as likely benign based on ACMG/AMP sequence variant interpretation guidelines (Richards et al. 2015 PMID: 25741868, with internal and published modifications).